The following is an entry in ClinVar:

ClinVar aggregate classification (germline): Pathogenic (1 of 4 stars; one submission).

Conditions:
Ulnar-mammary syndrome (UMS). Also called: Ulnar-mammary syndrome of Pallister; SCHINZEL SYNDROME; PALLISTER ULNAR-MAMMARY SYNDROME. Identifiers: Orphanet 3138, MedGen C1866994, MONDO:0008411, OMIM 181450.

Submission:

Victorian Clinical Genetics Services, Murdoch Childrens Research Institute
Classification: Pathogenic for Ulnar-mammary syndrome. Last evaluated: 2026-05-31. Review status: criteria provided, single submitter. Criteria: ACMG Guidelines, 2015. Collection method: clinical testing. Allele origin: germline. Affected: no.
Comment: This variant is classified as Pathogenic. Evidence in support of pathogenic classification: Variant is predicted to cause nonsense-mediated decay (NMD) and loss of protein (premature termination codon is located at least 54 nucleotides upstream of the final exon-exon junction); Variant is absent from gnomAD (v2, v3 and v4); Other NMD predicted variant(s) comparable to the one identified in this case have very strong previous evidence for pathogenicity (DECIPHER). Additional information: This variant is heterozygous; This gene is associated with autosomal dominant disease; Loss of function is a known mechanism of disease in this gene and is associated with ulnar-mammary syndrome (MIM#181450); Variants in this gene are known to have variable expressivity. Intrafamilial and interfamilial variability have both been reported (PMID: 28145909, 39788453).

Literature cited by the submitters: PubMed 28145909; PubMed 39788453.

NM_005996.4(TBX3):c.456del (p.Met153fs)

Gene: TBX3 (T-box transcription factor 3; minus strand). Cytogenetic location: 12q24.21.
Variant type: Deletion.
Coding change: c.456del on transcript NM_005996.4 (MANE Select); coding-DNA position 456, one base deleted (G; older notation c.456delG).
Protein change: p.Met153fs; shifts the reading frame from methionine 153.
Molecular consequence: frameshift variant.
Genome position (GRCh38, 1-based): chr12:114,681,080, C deleted on the plus strand (G on the coding strand, the reverse complement: TBX3 is on the minus strand). VCF-style (leftmost placement, unchanged base first): chr12-114681079-TC-T. GRCh37 (hg19) VCF-style: chr12-115118884-TC-T.
Other names: c.456del, p.Met153fs (NM_016569.4); short protein forms M153fs.
Identifiers: ClinVar variation 4879798 (VCV004879798.1).